The following is an entry in ClinVar:

ClinVar aggregate classification (germline): Conflicting classifications of pathogenicity. Review status: criteria provided, conflicting classifications (1 of 4 stars). 4 submissions from 4 submitters: Likely pathogenic (1); Uncertain significance (3). Last evaluated 2026-05-08.

Conditions:
Congenital microcephaly - severe encephalopathy - progressive cerebral atrophy syndrome. Also called: ASNS DEFICIENCY; Asparagine synthetase deficiency. Identifiers: Orphanet 391376, MedGen C3809971, MONDO:0014258, OMIM 615574.

Submissions (4):

Foundation for Research in Genetics and Endocrinology, FRIGE's Institute of Human Genetics
Classification: Uncertain significance for Congenital microcephaly - severe encephalopathy - progressive cerebral atrophy syndrome. Last evaluated: 2026-05-08. Review status: criteria provided, single submitter. Criteria: ACMG Guidelines, 2015. Collection method: clinical testing. Allele origin: germline. Inheritance: Autosomal recessive inheritance. Affected: yes. Observed: 1 variant allele, 1 homozygote.
Comment: The homozygous inframe deletion variant c.753_755del;p.Arg252del, has been detected in the ASNS gene and it leads to deletion of an amino acid at codon 252. This variant has been reported in population frequency databases such as gnomAD (MAF-0.0006%) and ExAC (MAF-0.0008%). In summary, the variant meets our criteria to be classified as uncertain significance.

Women's Health and Genetics/Laboratory Corporation of America, LabCorp
Classification: Uncertain significance. Last evaluated: 2023-03-23. Review status: criteria provided, single submitter. Criteria: LabCorp Variant Classification Summary - May 2015. Collection method: clinical testing. Allele origin: germline.
Comment: Variant summary: ASNS c.753_755delAAG (p.Arg252del) results in an in-frame deletion that is predicted to remove 1 amino acid within the Asparagine synthase domain (IPR001962) of the encoded protein. The variant allele was found at a frequency of 8e-06 in 249586 control chromosomes. The available data on variant occurrences in the general population are insufficient to allow any conclusion about variant significance. To our knowledge, no occurrence of c.753_755delAAG in individuals affected with Asparagine Synthetase Deficiency and no experimental evidence demonstrating its impact on protein function have been reported. Two clinical diagnostic laboratories have submitted clinical-significance assessments for this variant to ClinVar after 2014. One laboratory classified the variant as likely pathogenic, and one laboratory classified the variant as uncertain significance. Based on the evidence outlined above, the variant was classified as uncertain significance.

Labcorp Genetics (formerly Invitae), Labcorp
Classification: Uncertain significance. Last evaluated: 2022-02-24. Review status: criteria provided, single submitter. Criteria: Invitae Variant Classification Sherloc (09022015). Collection method: clinical testing. Allele origin: germline.
Comment: In summary, the available evidence is currently insufficient to determine the role of this variant in disease. Therefore, it has been classified as a Variant of Uncertain Significance. Experimental studies and prediction algorithms are not available or were not evaluated, and the functional significance of this variant is currently unknown. ClinVar contains an entry for this variant (Variation ID: 1190268). This variant has not been reported in the literature in individuals affected with ASNS-related conditions. This variant is present in population databases (rs752897486, gnomAD 0.003%). This variant, c.753_755del, results in the deletion of 1 amino acid(s) of the ASNS protein (p.Arg252del), but otherwise preserves the integrity of the reading frame.

GeneDx
Classification: Likely pathogenic. Last evaluated: 2019-02-13. Review status: criteria provided, single submitter. Criteria: GeneDx Variant Classification Process June 2021. Collection method: clinical testing. Allele origin: germline. Affected: yes.
Comment: Not observed at a significant frequency in large population cohorts (Lek et al., 2016); In-frame deletion of 1 amino acid in a non-repeat region; In silico analysis, which includes protein predictors and evolutionary conservation, supports a deleterious effect; Has not been previously published as pathogenic or benign to our knowledge

NM_001673.5(ASNS):c.753_755del (p.Arg252del)

Genes: CZ1P-ASNS (CZ1P-ASNS readthrough; minus strand), ASNS (asparagine synthetase (glutamine-hydrolyzing); minus strand). Cytogenetic location: 7q21.3.
Variant type: Deletion.
Coding change: c.753_755del on transcript NM_001673.5 (MANE Select); coding-DNA positions 753 to 755, 3 bases deleted (AAG; older notation c.753_755delAAG).
Protein change: p.Arg252del; deletes arginine 252.
Molecular consequence: inframe deletion. On other transcripts: non-coding transcript variant (1).
Genome position (GRCh38, 1-based): chr7:97,858,874-97,858,876, CTT deleted on the plus strand (AAG on the coding strand, the reverse complement: ASNS is on the minus strand); deleting any 3 consecutive bases within chr7:97,858,874-97,858,878 gives the same sequence; the c. name uses the placement nearest the transcript's 3' end. VCF-style (leftmost placement, unchanged base first): chr7-97858873-CCTT-C. GRCh37 (hg19) VCF-style: chr7-97488185-CCTT-C.
Other names: p.Arg252del; c.690_692del, p.Arg231del (NM_001178075.2); c.504_506del, p.Arg169del (NM_001178076.2, NM_001178077.1); c.753_755del, p.Arg252del (NM_001352496.2, NM_133436.3, NM_183356.4); c.753_755delAAG (NM_133436.3); short protein forms R169del, R231del, R252del.
Identifiers: ClinVar variation 1190268 (VCV001190268.9), dbSNP rs752897486, ClinGen allele CA4354702.